The following is an entry in ClinVar:

NM_021120.4(DLG3):c.23G>A (p.Cys8Tyr)

Gene: DLG3 (discs large MAGUK scaffold protein 3; plus strand). Cytogenetic location: Xq13.1.
Variant type: single nucleotide variant.
Coding change: c.23G>A on transcript NM_021120.4 (MANE Select); coding-DNA position 23, G replaced by A.
Protein change: p.Cys8Tyr; replaces cysteine 8 with tyrosine.
Molecular consequence: missense variant.
Genome position (GRCh38, 1-based): chrX:70,445,224, G>A. VCF-style: chrX-70445224-G-A. GRCh37 (hg19) VCF-style: chrX-69665074-G-A.
Other names: short protein forms C8Y.
Identifiers: ClinVar variation 3369294 (VCV003369294.1).

ClinVar aggregate classification (germline): Uncertain significance (1 of 4 stars; one submission).

Submission:

GeneDx
Classification: Uncertain significance. Last evaluated: 2024-02-13. Review status: criteria provided, single submitter. Criteria: GeneDx Variant Classification Process June 2021. Collection method: clinical testing. Allele origin: germline. Affected: yes.
Comment: In silico analysis supports that this missense variant does not alter protein structure/function; Not observed at significant frequency in large population cohorts (gnomAD); Has not been previously published as pathogenic or benign to our knowledge